The following is an entry in ClinVar:

NM_000051.4(ATM):c.7223C>G (p.Ser2408Trp)

Genes: ATM (ATM serine/threonine kinase; plus strand), C11orf65 (chromosome 11 open reading frame 65; minus strand). Cytogenetic location: 11q22.3.
Variant type: single nucleotide variant.
Coding change: c.7223C>G on transcript NM_000051.4 (MANE Select); coding-DNA position 7223, C replaced by G.
Protein change: p.Ser2408Trp; replaces serine 2408 with tryptophan.
Molecular consequence: missense variant. On other transcripts: intron variant (2).
Genome position (GRCh38, 1-based): chr11:108,329,154, C>G. VCF-style: chr11-108329154-C-G. GRCh37 (hg19) VCF-style: chr11-108199881-C-G.
Other names: c.7223C>G, p.Ser2408Trp (NM_001351834.2); c.641-20083G>C (NM_001330368.2); c.*38+6066G>C (NM_001351110.2); short protein forms S2408W.
Identifiers: ClinVar variation 838885 (VCV000838885.12), dbSNP rs730881315, ClinGen allele CA382559666.

ClinVar aggregate classification (germline): Uncertain significance. Review status: criteria provided, multiple submitters, no conflicts (2 of 4 stars). 3 submissions from 3 submitters: Uncertain significance (3). Last evaluated 2023-11-15.

Conditions:
Hereditary cancer-predisposing syndrome. Also called: Tumor predisposition; Neoplastic Syndromes, Hereditary; Hereditary Cancer Syndrome; Hereditary neoplastic syndrome. Identifiers: Orphanet 140162, MedGen C0027672, MeSH D009386, MONDO:0015356.
Ataxia-telangiectasia syndrome (AT). Also called: ATAXIA-TELANGIECTASIA, COMPLEMENTATION GROUP A; ATAXIA-TELANGIECTASIA, FRESNO VARIANT; Ataxia-telangiectasia; Ataxia-telangiectasia, complementation group D; AT, COMPLEMENTATION GROUP C; Ataxia-telangiectasia, complementation group E. Identifiers: Orphanet 100, MedGen C0004135, MONDO:0008840, OMIM 208900.

Submissions (3):

Ambry Genetics
Classification: Uncertain significance for Hereditary cancer-predisposing syndrome. Last evaluated: 2023-11-15. Review status: criteria provided, single submitter. Criteria: Ambry Variant Classification Scheme 2023. Collection method: clinical testing. Allele origin: germline.
Comment: The p.S2408W variant (also known as c.7223C>G), located in coding exon 48 of the ATM gene, results from a C to G substitution at nucleotide position 7223. The serine at codon 2408 is replaced by tryptophan, an amino acid with highly dissimilar properties. This amino acid position is highly conserved in available vertebrate species. In addition, this alteration is predicted to be deleterious by in silico analysis. Since supporting evidence is limited at this time, the clinical significance of this alteration remains unclear.

Mendelics
Classification: Uncertain significance. Last evaluated: 2022-05-04. Review status: criteria provided, single submitter. Criteria: Mendelics Assertion Criteria 2019. Collection method: clinical testing. Allele origin: germline.

Labcorp Genetics (formerly Invitae), Labcorp
Classification: Uncertain significance for Ataxia-telangiectasia syndrome. Last evaluated: 2021-12-15. Review status: criteria provided, single submitter. Criteria: Invitae Variant Classification Sherloc (09022015). Collection method: clinical testing. Allele origin: germline.
Comment: In summary, the available evidence is currently insufficient to determine the role of this variant in disease. Therefore, it has been classified as a Variant of Uncertain Significance. Algorithms developed to predict the effect of missense changes on protein structure and function are either unavailable or do not agree on the potential impact of this missense change (SIFT: "Deleterious"; PolyPhen-2: "Probably Damaging"; Align-GVGD: "Class C15"). ClinVar contains an entry for this variant (Variation ID: 838885). This variant has not been reported in the literature in individuals affected with ATM-related conditions. This variant is not present in population databases (gnomAD no frequency). This sequence change replaces serine, which is neutral and polar, with tryptophan, which is neutral and slightly polar, at codon 2408 of the ATM protein (p.Ser2408Trp).